The following is an entry in ClinVar:

ClinVar aggregate classification (germline): Uncertain significance. Review status: criteria provided, multiple submitters, no conflicts (2 of 4 stars). 9 submissions from 9 submitters: Uncertain significance (9). Last evaluated 2026-03-17.

Conditions:
MYH11-related disorder. Also called: MYH11-related condition.
Familial thoracic aortic aneurysm and aortic dissection (TAAD). Also called: Thoracic aortic aneurysms and dissections. Identifiers: Orphanet 91387, MedGen C4707243, MONDO:0019625.
Aortic aneurysm, familial thoracic 4 (AAT4). Also called: AORTIC ANEURYSM/AORTIC DISSECTION AND PATENT DUCTUS ARTERIOSUS. Identifiers: MedGen C1851504, MONDO:0007568, OMIM 132900.

Allele frequency attached by ClinVar (database versions not stated): ExAC 0.00001; gnomAD exomes 0.00002; gnomAD 0.00009 and 0.00011; TOPMed 0.00018.
gnomAD v4.1: 59 of 1,614,058 alleles (0.0037%); highest among the groups gnomAD compares: Admixed American, 0.025%; no homozygotes.

Submissions (9):

Ambry Genetics
Classification: Uncertain significance for Familial thoracic aortic aneurysm and aortic dissection. Last evaluated: 2026-03-17. Review status: criteria provided, single submitter. Criteria: Ambry Variant Classification Scheme 2023. Collection method: clinical testing. Allele origin: germline.
Comment: The p.T1177M variant (also known as c.3530C>T), located in coding exon 26 of the MYH11 gene, results from a C to T substitution at nucleotide position 3530. The threonine at codon 1177 is replaced by methionine, an amino acid with similar properties. This amino acid position is well conserved in available vertebrate species. In addition, the in silico prediction for this alteration is inconclusive. Based on the available evidence, the clinical significance of this variant remains unclear.

PreventionGenetics, part of Exact Sciences
Classification: Uncertain significance for MYH11-related condition. Last evaluated: 2026-01-06. Review status: criteria provided, single submitter. Criteria: ACMG Guidelines, 2015. Collection method: clinical testing. Allele origin: germline.
Comment: The MYH11 c.3551C>T variant is predicted to result in the amino acid substitution p.Thr1184Met. To our knowledge, this variant has not been reported in the literature. This variant is reported in 0.0040% of alleles in individuals of African descent in gnomAD. At this time, the clinical significance of this variant is uncertain due to the absence of conclusive functional and genetic evidence.

Labcorp Genetics (formerly Invitae), Labcorp
Classification: Uncertain significance for Aortic aneurysm, familial thoracic 4. Last evaluated: 2025-11-17. Review status: criteria provided, single submitter. Criteria: Invitae Variant Classification Sherloc (09022015). Collection method: clinical testing. Allele origin: germline.
Comment: This sequence change replaces threonine, which is neutral and polar, with methionine, which is neutral and non-polar, at codon 1184 of the MYH11 protein (p.Thr1184Met). The frequency data for this variant in the population databases is considered unreliable, as metrics indicate poor data quality at this position in the gnomAD database. This variant has not been reported in the literature in individuals affected with MYH11-related conditions. ClinVar contains an entry for this variant (Variation ID: 201063). Invitae Evidence Modeling of protein sequence and biophysical properties (such as structural, functional, and spatial information, amino acid conservation, physicochemical variation, residue mobility, and thermodynamic stability) indicates that this missense variant is not expected to disrupt MYH11 protein function with a negative predictive value of 95%. In summary, the available evidence is currently insufficient to determine the role of this variant in disease. Therefore, it has been classified as a Variant of Uncertain Significance.

CeGaT Center for Human Genetics Tuebingen
Classification: Uncertain significance. Last evaluated: 2025-10-01. Review status: criteria provided, single submitter. Criteria: CeGaT Center For Human Genetics Tuebingen Variant Classification Criteria Version 2. Collection method: clinical testing. Allele origin: germline. Affected: yes. Observed: 1 variant allele.
Comment: MYH11: PM2

GeneDx
Classification: Uncertain significance. Last evaluated: 2025-05-05. Review status: criteria provided, single submitter. Criteria: GeneDx Variant Classification Process June 2021. Collection method: clinical testing. Allele origin: germline. Affected: yes.
Comment: Has not been previously published as pathogenic or benign to our knowledge; Not observed at significant frequency in large population cohorts (gnomAD); In silico analysis suggests that this missense variant does not alter protein structure/function

Blueprint Genetics
Classification: Uncertain significance. Last evaluated: 2024-11-18. Review status: criteria provided, single submitter. Criteria: ACMG Guidelines, 2015. Collection method: clinical testing. Allele origin: germline.

All of Us Research Program, National Institutes of Health
Classification: Uncertain significance for Familial thoracic aortic aneurysm and aortic dissection. Last evaluated: 2024-09-23. Review status: criteria provided, single submitter. Criteria: ACMG Guidelines, 2015. Collection method: clinical testing. Allele origin: germline. Inheritance: Autosomal dominant inheritance. Observed: 26 variant alleles, 26 heterozygotes.
Comment: This missense variant replaces threonine with methionine at codon 1184 of the MYH11 protein. Computational prediction suggests that this variant may not impact protein structure and function (internally defined REVEL score threshold <= 0.5, PMID: 27666373). To our knowledge, functional studies have not been reported for this variant. This variant has not been reported in individuals affected with cardiovascular disorders in the literature. This variant has been identified in 6/282804 chromosomes in the general population by the Genome Aggregation Database (gnomAD). The available evidence is insufficient to determine the role of this variant in disease conclusively. Therefore, this variant is classified as a Variant of Uncertain Significance.

This study involves interpretation of variants in research participants for the purpose of population health screening. Participant phenotype was not available at the time of variant classification. Additional details can be found in publication PMID: 35346344, PMCID: PMC8962531

Color Diagnostics, LLC DBA Color Health
Classification: Uncertain significance for Familial thoracic aortic aneurysm and aortic dissection. Last evaluated: 2024-04-05. Review status: criteria provided, single submitter. Criteria: ACMG Guidelines, 2015. Collection method: clinical testing. Allele origin: germline.
Comment: This missense variant replaces threonine with methionine at codon 1184 of the MYH11 protein. Computational prediction tools indicate that this variant's impact on protein structure and function is inconclusive. To our knowledge, functional studies have not been reported for this variant. This variant has not been reported in individuals affected with MYH11-related disorders in the literature. This variant has been identified in 6/282804 chromosomes in the general population by the Genome Aggregation Database (gnomAD). The available evidence is insufficient to determine the role of this variant in disease conclusively. Therefore, this variant is classified as a Variant of Uncertain Significance.

Women's Health and Genetics/Laboratory Corporation of America, LabCorp
Classification: Uncertain significance. Last evaluated: 2019-08-19. Review status: criteria provided, single submitter. Criteria: LabCorp Variant Classification Summary - May 2015. Collection method: clinical testing. Allele origin: germline.
Comment: Variant summary: MYH11 c.3551C>T (p.Thr1184Met) results in a non-conservative amino acid change located in the Myosin tail domain (IPR002928) of the encoded protein sequence. Four of five in-silico tools predict a damaging effect of the variant on protein function. The variant allele was found at a frequency of 1.6e-05 in 251402 control chromosomes (gnomAD). The available data on variant occurrences in the general population are insufficient to allow any conclusion about variant significance. To our knowledge, no occurrence of c.3551C>T in individuals affected with Aortopathy and no experimental evidence demonstrating its impact on protein function have been reported. Two submitters have provided clinical-significance assessments for this variant to ClinVar after 2014 without evidence for independent evaluation and classified this variant as uncertain significance. Based on the evidence outlined above, the variant was classified as uncertain significance.

NM_002474.3(MYH11):c.3530C>T (p.Thr1177Met)

Gene: MYH11 (myosin heavy chain 11; minus strand). Cytogenetic location: 16p13.11.
Variant type: single nucleotide variant.
Coding change: c.3530C>T on transcript NM_002474.3 (MANE Select); coding-DNA position 3530, C replaced by T.
Protein change: p.Thr1177Met; replaces threonine 1177 with methionine.
Molecular consequence: missense variant.
Genome position (GRCh38, 1-based): chr16:15,732,685, G>A on the plus strand (C>T on the coding strand, the complement: MYH11 is on the minus strand). VCF-style: chr16-15732685-G-A. GRCh37 (hg19) VCF-style: chr16-15826542-G-A.
Other names: p.T1177M:ACG>ATG; c.3551C>T, p.Thr1184Met (NM_001040113.2, NM_001040114.2); c.3530C>T, p.Thr1177Met (NM_022844.3); short protein forms T1177M, T1184M.
Identifiers: ClinVar variation 201063 (VCV000201063.31), dbSNP rs201391947, ClinGen allele CA306531.
Genomic context (GRCh38, chr16:15,732,685, plus strand): 5'-ATCTCCTGGACCTGAGCCTCATGGGACCGCGTCTCTTCATCCAGGGCCTTCTTCAGCACC[G>A]TCACCTCCTGCTCCCTCTTGGCCCTTGGTGGGAGGAACACAGTGAATGGCAGTTGGGTGG-3'
Protein context (NP_002465.1, residues 1167-1187): ELRAKREQEV[Thr1177Met]VLKKALDEET